The following is an entry in ClinVar:

NM_001013838.3(CARMIL2):c.882del (p.Leu295fs)

Gene: CARMIL2 (capping protein regulator and myosin 1 linker 2; plus strand). Cytogenetic location: 16q22.1.
Variant type: Deletion.
Coding change: c.882del on transcript NM_001013838.3 (MANE Select); coding-DNA position 882, one base deleted (A; older notation c.882delA).
Protein change: p.Leu295fs; shifts the reading frame from leucine 295.
Molecular consequence: frameshift variant.
Genome position (GRCh38, 1-based): chr16:67,647,690, A deleted. VCF-style (leftmost placement, unchanged base first): chr16-67647689-CA-C. GRCh37 (hg19) VCF-style: chr16-67681592-CA-C.
Other names: c.882del, p.Leu295fs (NM_001317026.3); short protein forms L295fs.
Identifiers: ClinVar variation 1457185 (VCV001457185.7), dbSNP rs767941878, ClinGen allele CA8113262.

ClinVar aggregate classification (germline): Pathogenic/Likely pathogenic. Review status: criteria provided, multiple submitters, no conflicts (2 of 4 stars). 2 submissions from 2 submitters: Pathogenic (1); Likely pathogenic (1). Last evaluated 2024-12-23.

Allele frequency attached by ClinVar (database versions not stated): gnomAD 0.00001; gnomAD exomes 0.00001 and 0.00006; ExAC 0.00002; TOPMed 0.00002.

Submissions (2):

Labcorp Genetics (formerly Invitae), Labcorp
Classification: Pathogenic. Last evaluated: 2024-12-23. Review status: criteria provided, single submitter. Criteria: Invitae Variant Classification Sherloc (09022015). Collection method: clinical testing. Allele origin: germline.
Comment: This sequence change creates a premature translational stop signal (p.Leu295Serfs*12) in the CARMIL2 gene. It is expected to result in an absent or disrupted protein product. Loss-of-function variants in CARMIL2 are known to be pathogenic (PMID: 27647349, 28112205). This variant is present in population databases (rs767941878, gnomAD 0.003%). This variant has not been reported in the literature in individuals affected with CARMIL2-related conditions. ClinVar contains an entry for this variant (Variation ID: 1457185). For these reasons, this variant has been classified as Pathogenic.

AiLife Diagnostics
Classification: Likely pathogenic. Last evaluated: 2022-03-22. Review status: criteria provided, single submitter. Criteria: ACMG Guidelines, 2015. Collection method: clinical testing. Allele origin: germline. Affected: yes. Observed: 1 variant allele.

Literature cited by the submitters: PubMed 27647349 (cited by Labcorp Genetics (formerly Invitae), Labcorp); PubMed 28112205 (cited by Labcorp Genetics (formerly Invitae), Labcorp).